The following is an entry in ClinVar:

NM_205768.3(ZBTB18):c.1207del (p.Arg403fs)

Gene: ZBTB18 (zinc finger and BTB domain containing 18; plus strand). Cytogenetic location: 1q44.
Variant type: Deletion.
Coding change: c.1207del on transcript NM_205768.3 (MANE Select); coding-DNA position 1207, one base deleted (C; older notation c.1207delC).
Protein change: p.Arg403fs; shifts the reading frame from arginine 403.
Molecular consequence: frameshift variant.
Genome position (GRCh38, 1-based): chr1:244,054,981, C deleted; the last of 2 consecutive C bases (chr1:244,054,980-244,054,981); deleting either gives the same sequence. VCF-style (leftmost placement, unchanged base first): chr1-244054979-TC-T. GRCh37 (hg19) VCF-style: chr1-244218281-TC-T.
Other names: c.1207delC (NM_205768.3); c.1180del, p.Arg394fs (NM_001278196.2); c.1180delC, p.Arg394Alafs (NM_006352.5); short protein forms R394fs, R403fs.
Identifiers: ClinVar variation 1679682 (VCV001679682.2), dbSNP rs2148557361, ClinGen allele CA2573132972.

ClinVar aggregate classification (germline): Likely pathogenic. Review status: criteria provided, single submitter (1 of 4 stars). 2 submissions from 2 submitters: Likely pathogenic (1). 1 of the submissions does not count toward it. Last evaluated 2021-06-11.

Conditions:
Intellectual developmental disorder, autosomal dominant 22. Also called: Intellectual disability, autosomal dominant 22. Identifiers: MedGen CN029689, MONDO:0012869, OMIM 612337.

Submissions (2):

New York Genome Center
Classification: Likely pathogenic for Intellectual developmental disorder, autosomal dominant 22. Last evaluated: 2021-06-11. Review status: criteria provided, single submitter. Criteria: NYGC Assertion Criteria 2020. Collection method: clinical testing. Allele origin: germline. Observed: 1 heterozygote. Study: CSER-NYCKidSeq.
Comment: The heterozygous frameshift variant c.1207delC, p.Arg403AlafsTer60 has not been reported in individuals with ZBTB18-related disorders. The variant is absent in the gnomAD v3.1.1 database, indicating a rare allele. While this variant is not anticipated to result in nonsense-mediated decay, it is expected to disrupt the last 70 amino acids of the ZBTB18 protein which contains Zinc finger region-C2H2-type 2 (partial), type 3, and type 4 domains. Based on the available evidence, the variant c.1207delC, p.Arg403AlafsTer60 in the ZBTB18 gene is classified as likely pathogenic.

Clinical Research Ward, Shanghai Children's Medical Center
Classification: Pathogenic for Intellectual developmental disorder, autosomal dominant 22. Review status: no assertion criteria provided. Collection method: clinical testing. Allele origin: de novo. Affected: yes. Not counted in ClinVar's aggregate classification.